The following is an entry in ClinVar:

ClinVar aggregate classification (germline): Uncertain significance. Review status: criteria provided, multiple submitters, no conflicts (2 of 4 stars). 2 submissions from 2 submitters: Uncertain significance (2). Last evaluated 2024-04-17.

Conditions:
Idiopathic generalized epilepsy. Also called: Generalised epilepsy; EIG. Identifiers: MedGen C0270850, MONDO:0005579, OMIM 600669.
Inborn genetic diseases. Identifiers: MedGen C0950123, MeSH D030342.

Allele frequency attached by ClinVar (database versions not stated): TOPMed below 0.00001; gnomAD 0.00001; ExAC 0.00002.
gnomAD v4.1: 59 of 1,613,994 alleles (0.0037%); highest among the groups gnomAD compares: Non-Finnish European, 0.004%; no homozygotes.

Submissions (2):

Ambry Genetics
Classification: Uncertain significance for Inborn genetic diseases. Last evaluated: 2024-04-17. Review status: criteria provided, single submitter. Criteria: Ambry Variant Classification Scheme 2023. Collection method: clinical testing. Allele origin: germline.

Labcorp Genetics (formerly Invitae), Labcorp
Classification: Uncertain significance for Idiopathic generalized epilepsy. Last evaluated: 2022-03-19. Review status: criteria provided, single submitter. Criteria: Invitae Variant Classification Sherloc (09022015). Collection method: clinical testing. Allele origin: germline.
Comment: Algorithms developed to predict the effect of sequence changes on RNA splicing suggest that this variant may create or strengthen a splice site. In summary, the available evidence is currently insufficient to determine the role of this variant in disease. Therefore, it has been classified as a Variant of Uncertain Significance. Algorithms developed to predict the effect of missense changes on protein structure and function are either unavailable or do not agree on the potential impact of this missense change (SIFT: "Deleterious"; PolyPhen-2: "Probably Damaging"; Align-GVGD: "Class C0"). This sequence change replaces proline, which is neutral and non-polar, with glutamine, which is neutral and polar, at codon 53 of the RBFOX1 protein (p.Pro53Gln). This variant is present in population databases (rs750747492, gnomAD 0.003%). This variant has not been reported in the literature in individuals affected with RBFOX1-related conditions. ClinVar contains an entry for this variant (Variation ID: 953937).

NM_018723.4(RBFOX1):c.98C>A (p.Pro33Gln)

Gene: RBFOX1 (RNA binding fox-1 homolog 1; plus strand). Cytogenetic location: 16p13.3.
Variant type: single nucleotide variant.
Coding change: c.98C>A on transcript NM_018723.4 (MANE Select); coding-DNA position 98, C replaced by A.
Protein change: p.Pro33Gln; replaces proline 33 with glutamine.
Molecular consequence: missense variant.
Genome position (GRCh38, 1-based): chr16:7,518,217, C>A. VCF-style: chr16-7518217-C-A. GRCh37 (hg19) VCF-style: chr16-7568219-C-A.
Other names: c.98C>A, p.Pro33Gln (NM_001142333.2, NM_001142334.2, NM_001364800.2); c.227C>A, p.Pro76Gln (NM_001308117.1); c.158C>A, p.Pro53Gln (NM_145891.3, NM_145892.3, NM_145893.3); short protein forms P33Q, P53Q, P76Q.
Identifiers: ClinVar variation 953937 (VCV000953937.11), dbSNP rs750747492, ClinGen allele CA7891313.